The following is an entry in ClinVar:

ClinVar aggregate classification (germline): Pathogenic/Likely pathogenic. Review status: criteria provided, multiple submitters, no conflicts (2 of 4 stars). 2 submissions from 2 submitters: Pathogenic (1); Likely pathogenic (1). Last evaluated 2022-10-12.

Conditions:
Deficiency of guanidinoacetate methyltransferase (CCDS2). Also called: GAMT DEFICIENCY; CEREBRAL CREATINE DEFICIENCY SYNDROME 2; Guanidinoacetate Methyltransferase (GAMT) Deficiency. Identifiers: Orphanet 382, MedGen C0574080, MONDO:0012999, OMIM 612736.
Cerebral creatine deficiency syndrome. Also called: Creatine deficiency syndromes. Identifiers: Orphanet 79172, MedGen C5244016, MONDO:0000456.

Submissions (2):

Revvity Omics, Revvity
Classification: Likely pathogenic for Deficiency of guanidinoacetate methyltransferase. Last evaluated: 2022-10-12. Review status: criteria provided, single submitter. Criteria: ACMG Guidelines, 2015. Collection method: clinical testing. Allele origin: germline.

Labcorp Genetics (formerly Invitae), Labcorp
Classification: Pathogenic for Cerebral creatine deficiency syndrome. Last evaluated: 2022-06-09. Review status: criteria provided, single submitter. Criteria: Invitae Variant Classification Sherloc (09022015). Collection method: clinical testing. Allele origin: germline.
Comment: For these reasons, this variant has been classified as Pathogenic. Algorithms developed to predict the effect of sequence changes on RNA splicing suggest that this variant may create or strengthen a splice site. This variant has not been reported in the literature in individuals affected with GAMT-related conditions. This variant is not present in population databases (gnomAD no frequency). This sequence change creates a premature translational stop signal (p.Ile111Argfs*48) in the GAMT gene. It is expected to result in an absent or disrupted protein product. Loss-of-function variants in GAMT are known to be pathogenic (PMID: 15108290).

Literature cited by the submitters: PubMed 15108290 (cited by Labcorp Genetics (formerly Invitae), Labcorp).

NM_000156.6(GAMT):c.332_338del (p.Ile111fs)

Gene: GAMT (guanidinoacetate N-methyltransferase; minus strand). Cytogenetic location: 19p13.3.
Variant type: Deletion.
Coding change: c.332_338del on transcript NM_000156.6 (MANE Select); coding-DNA positions 332 to 338, 7 bases deleted (TCCCCTT; older notation c.332_338delTCCCCTT).
Protein change: p.Ile111fs; shifts the reading frame from isoleucine 111.
Molecular consequence: frameshift variant.
Genome position (GRCh38, 1-based): chr19:1,399,577-1,399,583, AAGGGGA deleted on the plus strand (TCCCCTT on the coding strand, the reverse complement: GAMT is on the minus strand). VCF-style (leftmost placement, unchanged base first): chr19-1399576-CAAGGGGA-C. GRCh37 (hg19) VCF-style: chr19-1399575-CAAGGGGA-C.
Other names: c.332_338del, p.Ile111fs (NM_138924.3); short protein forms I111fs.
Identifiers: ClinVar variation 2003951 (VCV002003951.7), dbSNP rs2512225602, ClinGen allele CA2580096072.